The following is an entry in ClinVar:

NM_032977.4(CASP10):c.748del (p.Ser250fs)

Gene: CASP10 (caspase 10; plus strand). Cytogenetic location: 2q33.1.
Variant type: Deletion.
Coding change: c.748del on transcript NM_032977.4 (MANE Select); coding-DNA position 748, one base deleted (A; older notation c.748delA).
Protein change: p.Ser250fs; shifts the reading frame from serine 250.
Molecular consequence: frameshift variant. On other transcripts: intron variant (4).
Genome position (GRCh38, 1-based): chr2:201,205,908, A deleted; the last of 2 consecutive A bases (chr2:201,205,907-201,205,908); deleting either gives the same sequence. VCF-style (leftmost placement, unchanged base first): chr2-201205906-CA-C. GRCh37 (hg19) VCF-style: chr2-202070629-CA-C.
Other names: c.748del, p.Ser250fs (NM_032974.5); c.685-2167del (NM_001206542.2, NM_001230.5); c.721+2142del (NM_032976.4, NM_001206524.2); short protein forms S250fs.
Identifiers: ClinVar variation 2950909 (VCV002950909.3), dbSNP rs1209914426, ClinGen allele CA538941740.

ClinVar aggregate classification (germline): Uncertain significance (1 of 4 stars; one submission).

Conditions:
Autoimmune lymphoproliferative syndrome type 2A (ALPS2A). Also called: Autoimmune lymphoproliferative syndrome type 2; CASP10-Related Autoimmune Lymphoproliferative Syndrome; AUTOIMMUNE LYMPHOPROLIFERATIVE SYNDROME, TYPE IIA. Identifiers: Orphanet 3261, MedGen C1858968, MONDO:0011383, OMIM 603909.

Submission:

Labcorp Genetics (formerly Invitae), Labcorp
Classification: Uncertain significance for Autoimmune lymphoproliferative syndrome type 2A. Last evaluated: 2023-08-11. Review status: criteria provided, single submitter. Criteria: Invitae Variant Classification Sherloc (09022015). Collection method: clinical testing. Allele origin: germline.
Comment: This sequence change creates a premature translational stop signal (p.Ser250Alafs*15) in the CASP10 gene. It is expected to result in an absent or disrupted protein product. However, the current clinical and genetic evidence is not sufficient to establish whether loss-of-function variants in CASP10 cause disease. This variant is present in population databases (no rsID available, gnomAD 0.006%). This variant has not been reported in the literature in individuals affected with CASP10-related conditions. In summary, the available evidence is currently insufficient to determine the role of this variant in disease. Therefore, it has been classified as a Variant of Uncertain Significance.